The following is an entry in ClinVar:

ClinVar aggregate classification (germline): Conflicting classifications of pathogenicity. Review status: criteria provided, conflicting classifications (1 of 4 stars). 3 submissions from 3 submitters: Uncertain significance (1); Likely benign (2). Last evaluated 2026-01-20.

Conditions:
Methylmalonic aciduria, cblB type (MACB). Also called: Vitamin B12-responsive methylmalonic acidemia type cblB; METHYLMALONIC ACIDURIA, VITAMIN B12-RESPONSIVE, DUE TO DEFECT IN SYNTHESIS OF ADENOSYLCOBALAMIN, cblB TYPE; Methylmalonic acidemia cblB type. Identifiers: Orphanet 28, Orphanet 79311, MedGen C1855102, MONDO:0009614, OMIM 251110.

Allele frequency attached by ClinVar (database versions not stated): ExAC 0.00004; gnomAD exomes 0.00007; TOPMed 0.00008; gnomAD 0.00009 and 0.00010; 1000 Genomes Project 30x 0.00031; 1000 Genomes Project 0.00040.
gnomAD v4.1: 74 of 1,609,678 alleles (0.0046%); highest among the groups gnomAD compares: East Asian, 0.074%; no homozygotes.

Submissions (3):

Labcorp Genetics (formerly Invitae), Labcorp
Classification: Likely benign for Methylmalonic aciduria, cblB type. Last evaluated: 2026-01-20. Review status: criteria provided, single submitter. Criteria: Invitae Variant Classification Sherloc (09022015). Collection method: clinical testing. Allele origin: germline.

Illumina Laboratory Services, Illumina
Classification: Uncertain significance for Methylmalonic aciduria, cblB type. Last evaluated: 2018-01-13. Review status: criteria provided, single submitter. Criteria: ICSL Variant Classification Criteria 13 December 2019. Collection method: clinical testing. Allele origin: germline.

GeneDx
Classification: Likely benign. Last evaluated: 2017-12-21. Review status: criteria provided, single submitter. Criteria: GeneDx Variant Classification (06012015). Collection method: clinical testing. Allele origin: germline. Affected: yes.
Comment: This variant is considered likely benign or benign based on one or more of the following criteria: it is a conservative change, it occurs at a poorly conserved position in the protein, it is predicted to be benign by multiple in silico algorithms, and/or has population frequency not consistent with disease.

NM_052845.4(MMAB):c.387G>A (p.Ala129=)

Gene: MMAB (metabolism of cobalamin associated B; minus strand). Cytogenetic location: 12q24.11.
Variant type: single nucleotide variant.
Coding change: c.387G>A on transcript NM_052845.4 (MANE Select); coding-DNA position 387, G replaced by A.
Protein change: p.Ala129=; no amino-acid change (alanine 129 retained).
Molecular consequence: synonymous variant. On other transcripts: non-coding transcript variant (1).
Genome position (GRCh38, 1-based): chr12:109,561,814, C>T on the plus strand (G>A on the coding strand, the complement: MMAB is on the minus strand). VCF-style: chr12-109561814-C-T. GRCh37 (hg19) VCF-style: chr12-109999619-C-T.
Identifiers: ClinVar variation 513804 (VCV000513804.16), dbSNP rs549807022, ClinGen allele CA6778925.